The following is an entry in ClinVar:

ClinVar aggregate classification (germline): Likely benign. Review status: criteria provided, multiple submitters, no conflicts (2 of 4 stars). 4 submissions from 4 submitters: Likely benign (3). 1 of the submissions does not count toward it. Last evaluated 2023-12-19.

Conditions:
PIEZO1-related disorder. Also called: PIEZO1-related condition; PIEZO1-Related Disorders.

Allele frequency attached by ClinVar (database versions not stated): gnomAD exomes 0.00006; gnomAD 0.00009; TOPMed 0.00009; 1000 Genomes Project 30x 0.00031; ExAC 0.00064.
gnomAD v4.1: 112 of 1,516,562 alleles (0.0074%); highest among the groups gnomAD compares: South Asian, 0.0084%; no homozygotes.

Submissions (4):

Labcorp Genetics (formerly Invitae), Labcorp
Classification: Likely benign. Last evaluated: 2023-12-19. Review status: criteria provided, single submitter. Criteria: Invitae Variant Classification Sherloc (09022015). Collection method: clinical testing. Allele origin: germline.

CeGaT Center for Human Genetics Tuebingen
Classification: Likely benign. Last evaluated: 2023-11-01. Review status: criteria provided, single submitter. Criteria: CeGaT Center For Human Genetics Tuebingen Variant Classification Criteria Version 2. Collection method: clinical testing. Allele origin: germline. Affected: yes. Observed: 1 variant allele.
Comment: PIEZO1: BP4

Blueprint Genetics
Classification: Likely benign. Last evaluated: 2022-02-09. Review status: criteria provided, single submitter. Criteria: ACMG Guidelines, 2015. Collection method: clinical testing. Allele origin: germline.

PreventionGenetics, part of Exact Sciences
Classification: Likely benign for PIEZO1-related condition. Last evaluated: 2024-01-26. Review status: no assertion criteria provided. Collection method: clinical testing. Allele origin: germline. Not counted in ClinVar's aggregate classification.
Comment: This variant is classified as likely benign based on ACMG/AMP sequence variant interpretation guidelines (Richards et al. 2015 PMID: 25741868, with internal and published modifications).

NM_001142864.4(PIEZO1):c.1296+6C>T

Genes: HSALR1 (HSP90AB1 associated lncRNA 1; plus strand), PIEZO1 (piezo type mechanosensitive ion channel component 1 (Er blood group); minus strand). Cytogenetic location: 16q24.3.
Variant type: single nucleotide variant.
Coding change: c.1296+6C>T on transcript NM_001142864.4 (MANE Select); 6 bases into the intron after coding-DNA position 1296, C replaced by T.
Molecular consequence: intron variant.
Genome position (GRCh38, 1-based): chr16:88,736,633, G>A on the plus strand (C>T on the coding strand, the complement: PIEZO1 is on the minus strand). VCF-style: chr16-88736633-G-A. GRCh37 (hg19) VCF-style: chr16-88803041-G-A.
Other names: c.1296+6C>T (NM_001142864.3).
Identifiers: ClinVar variation 2672662 (VCV002672662.28), dbSNP rs747368589, ClinGen allele CA8233047.
Genomic context (GRCh38, chr16:88,736,633, plus strand): 5'-CCCAGGCGATGCCCCACACCTGCGCGGCAGAGGGGGCCGCCCACCCCAACCCCCACAGCC[G>A]CCTACCATCATGGCAATGAGCGCGCACACATAGCTCTGGTCCATGATGAGGTGGCCCAGG-3'